The following is an entry in ClinVar:

ClinVar aggregate classification (germline): Likely benign. Review status: criteria provided, single submitter (1 of 4 stars). 2 submissions from 2 submitters: Likely benign (1). 1 of the submissions does not count toward it. Last evaluated 2022-12-01.

Conditions:
TDRD6-related disorder. Also called: TDRD6-related condition.

Allele frequency attached by ClinVar (database versions not stated): 1000 Genomes Project 30x 0.00156; 1000 Genomes Project 0.00160; TOPMed 0.00230; ExAC 0.00245; ESP Exome Variant Server 0.00261; gnomAD 0.00264; gnomAD exomes 0.00369.
gnomAD v4.1: 5,719 of 1,614,182 alleles (0.35%); highest among the groups gnomAD compares: Non-Finnish European, 0.41%; 12 homozygotes.

Submissions (2):

CeGaT Center for Human Genetics Tuebingen
Classification: Likely benign. Last evaluated: 2022-12-01. Review status: criteria provided, single submitter. Criteria: CeGaT Center For Human Genetics Tuebingen Variant Classification Criteria Version 2. Collection method: clinical testing. Allele origin: germline. Affected: yes. Observed: 1 variant allele.
Comment: TDRD6: BP4, BS2

PreventionGenetics, part of Exact Sciences
Classification: Likely benign for TDRD6-related condition. Last evaluated: 2022-02-15. Review status: no assertion criteria provided. Collection method: clinical testing. Allele origin: germline. Not counted in ClinVar's aggregate classification.
Comment: This variant is classified as likely benign based on ACMG/AMP sequence variant interpretation guidelines (Richards et al. 2015 PMID: 25741868, with internal and published modifications).

NM_001010870.3(TDRD6):c.4295A>G (p.Lys1432Arg)

Gene: TDRD6 (tudor domain containing 6; plus strand). Cytogenetic location: 6p12.3.
Variant type: single nucleotide variant.
Coding change: c.4295A>G on transcript NM_001010870.3 (MANE Select); coding-DNA position 4295, A replaced by G.
Protein change: p.Lys1432Arg; replaces lysine 1432 with arginine.
Molecular consequence: missense variant.
Genome position (GRCh38, 1-based): chr6:46,692,423, A>G. VCF-style: chr6-46692423-A-G. GRCh37 (hg19) VCF-style: chr6-46660160-A-G.
Other names: c.4295A>G (NM_001010870.2); c.4295A>G, p.Lys1432Arg (NM_001168359.2); short protein forms K1432R.
Identifiers: ClinVar variation 2656629 (VCV002656629.25), dbSNP rs139660386, ClinGen allele CA3839561.